The following is an entry in ClinVar:

ClinVar aggregate classification (germline): Uncertain significance (1 of 4 stars; one submission).

gnomAD v4.1: 61 of 1,613,940 alleles (0.0038%); highest among the groups gnomAD compares: Middle Eastern, 0.066%; no homozygotes.

Submission:

Labcorp Genetics (formerly Invitae), Labcorp
Classification: Uncertain significance. Last evaluated: 2025-08-24. Review status: criteria provided, single submitter. Criteria: Invitae Variant Classification Sherloc (09022015). Collection method: clinical testing. Allele origin: germline.
Comment: This sequence change replaces glycine, which is neutral and non-polar, with arginine, which is basic and polar, at codon 515 of the KANK4 protein (p.Gly515Arg). This variant is present in population databases (rs555525766, gnomAD 0.03%). This variant has not been reported in the literature in individuals affected with KANK4-related conditions. An algorithm developed to predict the effect of missense changes on protein structure and function outputs the following: PolyPhen-2: "Benign". The arginine amino acid residue is found in multiple mammalian species, which suggests that this missense change does not adversely affect protein function. In summary, the available evidence is currently insufficient to determine the role of this variant in disease. Therefore, it has been classified as a Variant of Uncertain Significance.

NM_181712.5(KANK4):c.1543G>A (p.Gly515Arg)

Gene: KANK4 (KN motif and ankyrin repeat domains 4; minus strand). Cytogenetic location: 1p31.3.
Variant type: single nucleotide variant.
Coding change: c.1543G>A on transcript NM_181712.5 (MANE Select); coding-DNA position 1543, G replaced by A.
Protein change: p.Gly515Arg; replaces glycine 515 with arginine.
Molecular consequence: missense variant. On other transcripts: intron variant (1).
Genome position (GRCh38, 1-based): chr1:62,273,561, C>T on the plus strand (G>A on the coding strand, the complement: KANK4 is on the minus strand). VCF-style: chr1-62273561-C-T. GRCh37 (hg19) VCF-style: chr1-62739233-C-T.
Other names: c.17-1972G>A (NM_001320269.2); short protein forms G515R.
Identifiers: ClinVar variation 4705997 (VCV004705997.1).